The following is an entry in ClinVar:

NM_007294.4(BRCA1):c.5152+3A>T

Gene: BRCA1 (BRCA1 DNA repair associated; minus strand). Cytogenetic location: 17q21.31.
Variant type: single nucleotide variant.
Coding change: c.5152+3A>T on transcript NM_007294.4 (MANE Select); 3 bases into the intron after coding-DNA position 5152, A replaced by T.
Molecular consequence: intron variant.
Genome position (GRCh38, 1-based): chr17:43,063,871, T>A on the plus strand (A>T on the coding strand, the complement: BRCA1 is on the minus strand). VCF-style: chr17-43063871-T-A. GRCh37 (hg19) VCF-style: chr17-41215888-T-A.
Other names: c.1699+3A>T (NM_001408458.1, NM_001408461.1, NM_001408464.1 and 7 more transcripts); c.4261+3A>T (NM_001407967.1); c.4771+3A>T (NM_001407959.1); c.4885+3A>T (NM_001407931.1, NM_001407932.1, NM_001407928.1 and 4 more transcripts); c.5008+3A>T (NM_001407747.1, NM_001407745.1, NM_001407737.1 and 21 more transcripts); c.4768+3A>T (NM_001407962.1, NM_001407960.1); c.1339+3A>T (NM_001408512.1); c.1462+3A>T (NM_001408510.1); and 73 more.
Identifiers: ClinVar variation 867705 (VCV000867705.4), dbSNP rs80358124, ClinGen allele CA916080125.
Genomic context (GRCh38, chr17:43,063,871, plus strand): 5'-TAGGTGTAAAAATGCAATTCTGAGGTGTTAAAGGGAGGAGGGGAGAAATAGTATTATACT[T>A]ACAGAAATAGCTAACTACCCATTTTCCTCCCGCAATTCCTAGAAAATATTTCAGTGTCCG-3'

ClinVar aggregate classification (germline): Uncertain significance (1 of 4 stars; one submission).

Conditions:
Hereditary cancer-predisposing syndrome. Also called: Neoplastic Syndromes, Hereditary; Tumor predisposition; Hereditary Cancer Syndrome; Hereditary neoplastic syndrome. Identifiers: Orphanet 140162, MedGen C0027672, MeSH D009386, MONDO:0015356.

Submissions (2):

Ambry Genetics
Classification: Uncertain significance for Hereditary cancer-predisposing syndrome. Last evaluated: 2025-03-21. Review status: criteria provided, single submitter. Criteria: Ambry Variant Classification Scheme 2023. Collection method: clinical testing. Allele origin: germline.
Comment: The c.5152+3A>T intronic variant results from an A to T substitution 3 nucleotides after coding exon 16 in the BRCA1 gene. One functional study found that this nucleotide substitution had an intermediate impact in a high throughput genome editing haploid cell survival assay (Findlay GM et al. Nature, 2018 Oct;562:217-222). This nucleotide position is well conserved in available vertebrate species. In silico splice site analysis predicts that this alteration will weaken the native splice donor site. RNA studies have demonstrated that this alteration results in a splice defect; the clinical impact of this abnormal splicing is unknown at this time (Ambry internal data). Based on the available evidence, the clinical significance of this variant remains unclear.

Brotman Baty Institute, University of Washington
No classification provided (evidence only). Condition: Breast-ovarian cancer, familial 1. Review status: no classification provided. Collection method: in vitro. Allele origin: not applicable. Functional consequence: function_uncertain_variant. Not counted in ClinVar's aggregate classification.
ClinVar note: "not provided" was previously submitted as the classification for the variant. However, the classification appeared to be based only on an observation of functional data so it was converted to no classification on 2025-07-30.

Literature cited by the submitters: PubMed 30209399 (cited by Ambry Genetics).